The following is an entry in ClinVar:

NM_001127222.2(CACNA1A):c.2986C>G (p.Pro996Ala)

Gene: CACNA1A (calcium voltage-gated channel subunit alpha1 A; minus strand). Cytogenetic location: 19p13.13.
Variant type: single nucleotide variant.
Coding change: c.2986C>G on transcript NM_001127222.2 (MANE Select); coding-DNA position 2986, C replaced by G.
Protein change: p.Pro996Ala; replaces proline 996 with alanine.
Molecular consequence: missense variant.
Genome position (GRCh38, 1-based): chr19:13,298,647, G>C on the plus strand (C>G on the coding strand, the complement: CACNA1A is on the minus strand). VCF-style: chr19-13298647-G-C. GRCh37 (hg19) VCF-style: chr19-13409461-G-C.
Other names: c.2998C>G, p.Pro1000Ala (NM_000068.4, NM_023035.3); c.2989C>G, p.Pro997Ala (NM_001127221.2, NM_001174080.2); short protein forms P1000A, P996A, P997A.
Identifiers: ClinVar variation 2446271 (VCV002446271.2), dbSNP rs2057721605, ClinGen allele CA404342310.

ClinVar aggregate classification (germline): Uncertain significance (1 of 4 stars; one submission).

Allele frequency attached by ClinVar (database versions not stated): TOPMed below 0.00001.

Submission:

GeneDx
Classification: Uncertain significance. Last evaluated: 2023-08-30. Review status: criteria provided, single submitter. Criteria: GeneDx Variant Classification Process June 2021. Collection method: clinical testing. Allele origin: germline.
Comment: Not observed at significant frequency in large population cohorts (gnomAD); In silico analysis supports that this missense variant does not alter protein structure/function; Has not been previously published as pathogenic or benign to our knowledge